The following is an entry in ClinVar:

NM_201384.3(PLEC):c.11161C>T (p.Arg3721Cys)

Gene: PLEC (plectin; minus strand). Cytogenetic location: 8q24.3.
Variant type: single nucleotide variant.
Coding change: c.11161C>T on transcript NM_201384.3 (MANE Select); coding-DNA position 11161, C replaced by T.
Protein change: p.Arg3721Cys; replaces arginine 3721 with cysteine.
Molecular consequence: missense variant.
Genome position (GRCh38, 1-based): chr8:143,918,660, G>A on the plus strand (C>T on the coding strand, the complement: PLEC is on the minus strand). VCF-style: chr8-143918660-G-A. GRCh37 (hg19) VCF-style: chr8-144992828-G-A.
Other names: c.11242C>T, p.Arg3748Cys (NM_000445.5); c.11119C>T, p.Arg3707Cys (NM_201378.4); c.11095C>T, p.Arg3699Cys (NM_201379.3); c.11572C>T, p.Arg3858Cys (NM_201380.4); c.11065C>T, p.Arg3689Cys (NM_201381.3); c.11161C>T, p.Arg3721Cys (NM_201382.4); c.11173C>T, p.Arg3725Cys (NM_201383.3); short protein forms R3689C, R3721C, R3748C, R3699C, R3725C, R3858C, R3707C.
Identifiers: ClinVar variation 288376 (VCV000288376.12), dbSNP rs782134827, ClinGen allele CA4924418.
Genomic context (GRCh38, chr8:143,918,660, plus strand): 5'-GCTCCCCCTTCACCGGGTCCAGCAGGAAGCCTGTGGCTGCCTGTGCCTCCAGCAGCAGGC[G>A]GGCCACCTCGGCACTCAGCAGCCCTTTCTTGAGAGCCTGGTAGATGCTCAGTGTCTGCCT-3'
Protein context (NP_958786.1, residues 3711-3731): KKGLLSAEVA[Arg3721Cys]LLLEAQAATG

ClinVar aggregate classification (germline): Uncertain significance. Review status: criteria provided, multiple submitters, no conflicts (2 of 4 stars). 5 submissions from 5 submitters: Uncertain significance (5). Last evaluated 2026-08-04.

Conditions:
PLEC-related disorder. Also called: PLEC-related condition; PLEC-related disorders.
Epidermolysis bullosa simplex 5C, with pyloric atresia (EBS5C). Also called: PLEC-Related Epidermolysis Bullosa with Pyloric Atresia; Epidermolysis bullosa simplex with pyloric atresia; PLEC1-Related Epidermolysis Bullosa with Pyloric Atresia. Identifiers: Orphanet 158684, MedGen C2677349, MONDO:0012807, OMIM 612138.
Epidermolysis bullosa simplex with nail dystrophy (EBS5D). Identifiers: MedGen C4225309, MONDO:0014661, OMIM 616487.
Autosomal recessive limb-girdle muscular dystrophy type 2Q (LGMDR17). Also called: MUSCULAR DYSTROPHY, LIMB-GIRDLE, AUTOSOMAL RECESSIVE 17. Identifiers: Orphanet 254361, MedGen C3150989, MONDO:0013390, OMIM 613723.
Epidermolysis bullosa simplex, Ogna type (EBS5A). Also called: Pidermolysis bullosa simplex 5A, Ogna type; EPIDERMOLYSIS BULLOSA SIMPLEX 5A, OGNA TYPE. Identifiers: Orphanet 79401, MedGen C0432317, MONDO:0007555, OMIM 131950.
Epidermolysis bullosa simplex 5B, with muscular dystrophy (EBS5B). Also called: EPIDERMOLYSIS BULLOSA SIMPLEX AND LIMB-GIRDLE MUSCULAR DYSTROPHY; Epidermolysis bullosa simplex with muscular dystrophy. Identifiers: Orphanet 257, MedGen C2931072, MONDO:0009181, OMIM 226670.

Allele frequency attached by ClinVar (database versions not stated): TOPMed 0.00001; ExAC 0.00005; gnomAD 0.00005; gnomAD exomes 0.00008.
gnomAD v4.1: 64 of 1,612,676 alleles (0.004%); highest among the groups gnomAD compares: East Asian, 0.0067%; no homozygotes.

Submissions (5):

PreventionGenetics, part of Exact Sciences
Classification: Uncertain significance for PLEC-related condition. Last evaluated: 2026-08-04. Review status: criteria provided, single submitter. Criteria: ACMG Guidelines, 2015. Collection method: clinical testing. Allele origin: germline.
Comment: The PLEC c.11242C>T variant is predicted to result in the amino acid substitution p.Arg3748Cys. To our knowledge, this variant has not been reported in the literature. This variant is reported in 0.052% of alleles in individuals of European (Finnish) descent in gnomAD. Although we suspect that this variant may be benign, at this time, the clinical significance of this variant is uncertain due to the absence of conclusive functional and genetic evidence.

Labcorp Genetics (formerly Invitae), Labcorp
Classification: Uncertain significance for Autosomal recessive limb-girdle muscular dystrophy type 2Q; Epidermolysis bullosa simplex, Ogna type; Epidermolysis bullosa simplex with nail dystrophy; Epidermolysis bullosa simplex 5C, with pyloric atresia; Epidermolysis bullosa simplex 5B, with muscular dystrophy. Last evaluated: 2025-10-29. Review status: criteria provided, single submitter. Criteria: Invitae Variant Classification Sherloc (09022015). Collection method: clinical testing. Allele origin: germline.
Comment: This sequence change replaces arginine, which is basic and polar, with cysteine, which is neutral and slightly polar, at codon 3748 of the PLEC protein (p.Arg3748Cys). This variant is present in population databases (rs782134827, gnomAD 0.05%). This variant has not been reported in the literature in individuals affected with PLEC-related conditions. ClinVar contains an entry for this variant (Variation ID: 288376). An algorithm developed to predict the effect of missense changes on protein structure and function (PolyPhen-2) suggests that this variant is likely to be disruptive. In summary, the available evidence is currently insufficient to determine the role of this variant in disease. Therefore, it has been classified as a Variant of Uncertain Significance.

GeneDx
Classification: Uncertain significance. Last evaluated: 2017-09-11. Review status: criteria provided, single submitter. Criteria: GeneDx Variant Classification (06012015). Collection method: clinical testing. Allele origin: germline. Affected: yes.
Comment: The R3748C variant has not been published as a pathogenic variant, nor has it been reported as a benign variant to our knowledge. The R3748C variant is observed in 14/22,166 (0.06%) alleles from individuals of Finnish background (Lek et al., 2016). This variant is a non-conservative amino acid substitution, which is likely to impact secondary protein structure as these residues differ in polarity, charge, size and/or other properties. This substitution occurs at a position that is conserved in mammals, and in silico analysis predicts this variant is probably damaging to the protein structure/function. However, most reported pathogenic variants in the PLEC gene are truncating/loss-of-function.

Mayo Clinic Laboratories, Mayo Clinic
Classification: Uncertain significance for Autosomal recessive limb-girdle muscular dystrophy type 2Q. Last evaluated: 2017-03-10. Review status: criteria provided, single submitter. Criteria: ACMG Guidelines, 2015. Collection method: clinical testing. Allele origin: maternal.

Eurofins Ntd Llc (ga)
Classification: Uncertain significance. Last evaluated: 2016-06-23. Review status: criteria provided, single submitter. Criteria: EGL Classification Definitions 2015. Collection method: clinical testing. Allele origin: germline. Observed: 1 variant allele, 1 heterozygote.